The following is an entry in ClinVar:

NM_000528.4(MAN2B1):c.1230+3G>A

Gene: MAN2B1 (mannosidase alpha class 2B member 1; minus strand). Cytogenetic location: 19p13.13.
Variant type: single nucleotide variant.
Coding change: c.1230+3G>A on transcript NM_000528.4 (MANE Select); 3 bases into the intron after coding-DNA position 1230, G replaced by A.
Molecular consequence: intron variant.
Genome position (GRCh38, 1-based): chr19:12,658,221, C>T on the plus strand (G>A on the coding strand, the complement: MAN2B1 is on the minus strand). VCF-style: chr19-12658221-C-T. GRCh37 (hg19) VCF-style: chr19-12769035-C-T.
Other names: c.1227+3G>A (NM_001173498.2).
Identifiers: ClinVar variation 2064666 (VCV002064666.1), dbSNP rs544337017, ClinGen allele CA9226543.
Genomic context (GRCh38, chr19:12,658,221, plus strand): 5'-TTGGGGCGCCCAGCCTGTCGGGCCTCGGGGCTGCATGCCCCCTCTAGCCCGGCTCCTACC[C>T]ACCTGCAGGAAGTTGTAGCTGAGGCGCTCGTAGCGTTTGAGGGCCGGCCGACTGGAAAAG-3'

ClinVar aggregate classification (germline): Uncertain significance (1 of 4 stars; one submission).

Conditions:
Deficiency of alpha-mannosidase (MANSA). Also called: Mannosidosis, alpha-, types I and II; LYSOSOMAL ALPHA-D-MANNOSIDASE DEFICIENCY; Alpha-Mannosidosis. Identifiers: Orphanet 61, MedGen C0024748, MONDO:0009561, OMIM 248500.

Allele frequency attached by ClinVar (database versions not stated): TOPMed below 0.00001; gnomAD exomes 0.00001; ExAC 0.00002; gnomAD 0.00002; 1000 Genomes Project 30x 0.00016; 1000 Genomes Project 0.00020.
gnomAD v4.1: 6 of 1,614,016 alleles (0.00037%); highest among the groups gnomAD compares: Admixed American, 0.0017%; no homozygotes.

Submission:

Labcorp Genetics (formerly Invitae), Labcorp
Classification: Uncertain significance for Deficiency of alpha-mannosidase. Last evaluated: 2021-01-29. Review status: criteria provided, single submitter. Criteria: Invitae Variant Classification Sherloc (09022015). Collection method: clinical testing. Allele origin: germline.
Comment: This sequence change falls in intron 9 of the MAN2B1 gene. It does not directly change the encoded amino acid sequence of the MAN2B1 protein. It affects a nucleotide within the consensus splice site of the intron. This variant is present in population databases (rs544337017, ExAC 0.009%). This variant has not been reported in the literature in individuals with MAN2B1-related conditions. Nucleotide substitutions within the consensus splice site are a relatively common cause of aberrant splicing (PMID: 17576681, 9536098). Algorithms developed to predict the effect of sequence changes on RNA splicing suggest that this variant may create or strengthen a splice site, but this prediction has not been confirmed by published transcriptional studies. In summary, the available evidence is currently insufficient to determine the role of this variant in disease. Therefore, it has been classified as a Variant of Uncertain Significance.

Literature cited by the submitters: PubMed 17576681; PubMed 9536098.